The following is an entry in ClinVar:

NM_002691.4(POLD1):c.1682G>A (p.Arg561Gln)

Gene: POLD1 (DNA polymerase delta 1, catalytic subunit; plus strand). Cytogenetic location: 19q13.33.
Variant type: single nucleotide variant.
Coding change: c.1682G>A on transcript NM_002691.4 (MANE Select); coding-DNA position 1682, G replaced by A.
Protein change: p.Arg561Gln; replaces arginine 561 with glutamine.
Molecular consequence: missense variant. On other transcripts: non-coding transcript variant (1).
Genome position (GRCh38, 1-based): chr19:50,407,170, G>A. VCF-style: chr19-50407170-G-A. GRCh37 (hg19) VCF-style: chr19-50910427-G-A.
Other names: c.1682G>A, p.Arg561Gln (NM_001256849.1, NM_001308632.1); c.1682G>A (NM_002691.2); short protein forms R561Q.
Identifiers: ClinVar variation 572113 (VCV000572113.13), dbSNP rs750466994, ClinGen allele CA9596200.

ClinVar aggregate classification (germline): Uncertain significance. Review status: criteria provided, multiple submitters, no conflicts (2 of 4 stars). 4 submissions from 4 submitters: Uncertain significance (4). Last evaluated 2025-12-29.

Conditions:
Hereditary cancer-predisposing syndrome. Also called: Tumor predisposition; Neoplastic Syndromes, Hereditary; Hereditary Cancer Syndrome; Hereditary neoplastic syndrome. Identifiers: Orphanet 140162, MedGen C0027672, MeSH D009386, MONDO:0015356.
POLD1-related polyposis and colorectal cancer syndrome (CRCS10). Also called: Colorectal cancer 10; COLORECTAL CANCER, SUSCEPTIBILITY TO, ON CHROMOSOME 19q; Colorectal cancer, susceptibility to, 10. Identifiers: Orphanet 220460, MedGen C2675481, MONDO:0012953, OMIM 612591.

Allele frequency attached by ClinVar (database versions not stated): TOPMed below 0.00001; ExAC 0.00001; gnomAD 0.00001; gnomAD exomes 0.00001.
gnomAD v4.1: 19 of 1,602,008 alleles (0.0012%); highest among the groups gnomAD compares: East Asian, 0.009%; no homozygotes.

Submissions (4):

Center for Genomic Medicine, Rigshospitalet, Copenhagen University Hospital
Classification: Uncertain significance. Last evaluated: 2025-12-29. Review status: criteria provided, single submitter. Criteria: ACMG Guidelines, 2015. Collection method: clinical testing. Allele origin: germline.

Ambry Genetics
Classification: Uncertain significance for Hereditary cancer-predisposing syndrome. Last evaluated: 2024-11-08. Review status: criteria provided, single submitter. Criteria: Ambry Variant Classification Scheme 2023. Collection method: clinical testing. Allele origin: germline.
Comment: The p.R561Q variant (also known as c.1682G>A), located in coding exon 12 of the POLD1 gene, results from a G to A substitution at nucleotide position 1682. The arginine at codon 561 is replaced by glutamine, an amino acid with highly similar properties. This amino acid position is well conserved in available vertebrate species. In addition, the in silico prediction for this alteration is inconclusive. Based on the available evidence, the clinical significance of this variant remains unclear.

Labcorp Genetics (formerly Invitae), Labcorp
Classification: Uncertain significance for POLD1-related polyposis and colorectal cancer syndrome. Last evaluated: 2024-09-22. Review status: criteria provided, single submitter. Criteria: Invitae Variant Classification Sherloc (09022015). Collection method: clinical testing. Allele origin: germline.
Comment: This sequence change replaces arginine, which is basic and polar, with glutamine, which is neutral and polar, at codon 561 of the POLD1 protein (p.Arg561Gln). This variant is present in population databases (rs750466994, gnomAD 0.006%). This variant has not been reported in the literature in individuals affected with POLD1-related conditions. ClinVar contains an entry for this variant (Variation ID: 572113). Invitae Evidence Modeling of protein sequence and biophysical properties (such as structural, functional, and spatial information, amino acid conservation, physicochemical variation, residue mobility, and thermodynamic stability) indicates that this missense variant is not expected to disrupt POLD1 protein function with a negative predictive value of 80%. In summary, the available evidence is currently insufficient to determine the role of this variant in disease. Therefore, it has been classified as a Variant of Uncertain Significance.

GeneDx
Classification: Uncertain significance. Last evaluated: 2020-01-20. Review status: criteria provided, single submitter. Criteria: GeneDx Variant Classification Process June 2021. Collection method: clinical testing. Allele origin: germline. Affected: yes.
Comment: In silico analysis, which includes protein predictors and evolutionary conservation, supports a deleterious effect; Has not been previously published as a pathogenic or benign germline variant to our knowledge; This variant is associated with the following publications: (PMID: 32041611, 25822088)